The following is an entry in ClinVar:

ClinVar aggregate classification (germline): Pathogenic (1 of 4 stars; one submission).

Conditions:
Familial cancer of breast. Also called: Hereditary breast cancer; BREAST CANCER, FAMILIAL; hereditary breast carcinoma. Identifiers: Orphanet 227535, MedGen C0346153, MONDO:0016419, OMIM 114480. Disease mechanism: loss of function.

Allele frequency attached by ClinVar (database versions not stated): gnomAD 0.00001; 1000 Genomes Project 30x 0.00016; 1000 Genomes Project 0.00020.
gnomAD v4.1: 1 of 1,613,934 alleles (0.000062%); highest among the groups gnomAD compares: Non-Finnish European, 0.000085%; no homozygotes.

Submission:

Myriad Genetics, Inc.
Classification: Pathogenic for Familial cancer of breast. Last evaluated: 2023-09-11. Review status: criteria provided, single submitter. Criteria: Myriad Autosomal Dominant, Autosomal Recessive and X-Linked Classification Criteria (2023). Collection method: clinical testing. Allele origin: unknown.
Comment: This variant is considered pathogenic. This variant creates a termination codon and is predicted to result in premature protein truncation.

NM_024675.4(PALB2):c.1592T>A (p.Leu531Ter)

Gene: PALB2 (partner and localizer of BRCA2; minus strand). Cytogenetic location: 16p12.2.
Variant type: single nucleotide variant.
Coding change: c.1592T>A on transcript NM_024675.4 (MANE Select); coding-DNA position 1592, T replaced by A.
Protein change: p.Leu531Ter; replaces leucine 531 with a stop codon.
Molecular consequence: nonsense. On other transcripts: intron variant (3).
Genome position (GRCh38, 1-based): chr16:23,634,954, A>T on the plus strand (T>A on the coding strand, the complement: PALB2 is on the minus strand). VCF-style: chr16-23634954-A-T. GRCh37 (hg19) VCF-style: chr16-23646275-A-T.
Other names: c.707T>A, p.Leu236Ter (NM_001407306.1, NM_001407308.1, NM_001407309.1 and 5 more transcripts); c.1532T>A, p.Leu511Ter (NM_001407296.1); c.1592T>A, p.Leu531Ter (NM_001407297.1, NM_001407298.1, NM_001407299.1 and 3 more transcripts); c.49-5679T>A (NM_001407314.1); c.-104-4485T>A (NM_001407313.1, NM_001407312.1); short protein forms L236*, L511*, L531*.
Identifiers: ClinVar variation 2673844 (VCV002673844.1), dbSNP rs540962715, ClinGen allele CA279498153.